The following is an entry in ClinVar:

NM_152309.3(PIK3AP1):c.2241+6A>G

Gene: PIK3AP1 (phosphoinositide-3-kinase adaptor protein 1; minus strand). Cytogenetic location: 10q24.1.
Variant type: single nucleotide variant.
Coding change: c.2241+6A>G on transcript NM_152309.3 (MANE Select); 6 bases into the intron after coding-DNA position 2241, A replaced by G.
Molecular consequence: intron variant.
Genome position (GRCh38, 1-based): chr10:96,603,973, T>C on the plus strand (A>G on the coding strand, the complement: PIK3AP1 is on the minus strand). VCF-style: chr10-96603973-T-C. GRCh37 (hg19) VCF-style: chr10-98363730-T-C.
Identifiers: ClinVar variation 2070593 (VCV002070593.4), dbSNP rs1177976567, ClinGen allele CA595384582.
Genomic context (GRCh38, chr10:96,603,973, plus strand): 5'-GTTTCTATCTCTTGCGATGAAACGACCCCTAGGACAGGATAGGTGGGGTGGAGTCCCAGC[T>C]CTCACCTCGTTGTCCCCTTCCATCCCGCTGCTCACACTGAGGAGGCTCCGGGTGCTGGAG-3'

ClinVar aggregate classification (germline): Uncertain significance (1 of 4 stars; one submission).

Conditions:
Infantile spasms. Also called: Infantile spasm. Identifiers: MedGen C3887898, HP:0012469.

Allele frequency attached by ClinVar (database versions not stated): gnomAD exomes below 0.00001; gnomAD 0.00001.
gnomAD v4.1: 4 of 1,597,512 alleles (0.00025%); highest among the groups gnomAD compares: Non-Finnish European, 0.00034%; no homozygotes.

Submission:

Labcorp Genetics (formerly Invitae), Labcorp
Classification: Uncertain significance for Infantile spasms. Last evaluated: 2023-04-10. Review status: criteria provided, single submitter. Criteria: Invitae Variant Classification Sherloc (09022015). Collection method: clinical testing. Allele origin: germline.
Comment: In summary, the available evidence is currently insufficient to determine the role of this variant in disease. Therefore, it has been classified as a Variant of Uncertain Significance. Variants that disrupt the consensus splice site are a relatively common cause of aberrant splicing (PMID: 17576681, 9536098). Algorithms developed to predict the effect of sequence changes on RNA splicing suggest that this variant is not likely to affect RNA splicing. ClinVar contains an entry for this variant (Variation ID: 2070593). This variant has not been reported in the literature in individuals affected with PIK3AP1-related conditions. This variant is present in population databases (no rsID available, gnomAD 0.02%). This sequence change falls in intron 15 of the PIK3AP1 gene. It does not directly change the encoded amino acid sequence of the PIK3AP1 protein. It affects a nucleotide within the consensus splice site.

Literature cited by the submitters: PubMed 17576681; PubMed 9536098.